The following is an entry in ClinVar:

NM_002109.6(HARS1):c.269A>C (p.Glu90Ala)

Gene: HARS1 (histidyl-tRNA synthetase 1; minus strand). Cytogenetic location: 5q31.3.
Variant type: single nucleotide variant.
Coding change: c.269A>C on transcript NM_002109.6 (MANE Select); coding-DNA position 269, A replaced by C.
Protein change: p.Glu90Ala; replaces glutamic acid 90 with alanine.
Molecular consequence: missense variant. On other transcripts: intron variant (3).
Genome position (GRCh38, 1-based): chr5:140,683,131, T>G on the plus strand (A>C on the coding strand, the complement: HARS1 is on the minus strand). VCF-style: chr5-140683131-T-G. GRCh37 (hg19) VCF-style: chr5-140062716-T-G.
Other names: c.181-3248A>C (NM_001258040.3, NM_001258042.3); c.269A>C, p.Glu90Ala (NM_001258041.3, NM_001289092.2); c.182A>C, p.Glu61Ala (NM_001289094.2); c.181-5116A>C (NM_001289093.2); short protein forms E61A, E90A.
Identifiers: ClinVar variation 2655744 (VCV002655744.24), dbSNP rs2481290841, ClinGen allele CA361259029.

ClinVar aggregate classification (germline): Uncertain significance (1 of 4 stars; one submission).

Allele frequency attached by ClinVar (database versions not stated): gnomAD exomes below 0.00001.
gnomAD v4.1: 1 of 1,614,048 alleles (0.000062%); highest among the groups gnomAD compares: Non-Finnish European, 0.000085%; no homozygotes.

Submission:

CeGaT Center for Human Genetics Tuebingen
Classification: Uncertain significance. Last evaluated: 2023-08-01. Review status: criteria provided, single submitter. Criteria: CeGaT Center For Human Genetics Tuebingen Variant Classification Criteria Version 2. Collection method: clinical testing. Allele origin: germline. Affected: yes. Observed: 1 variant allele.
Comment: HARS1: PM2